The following is an entry in ClinVar:

NM_001128840.3(CACNA1D):c.1647T>C (p.Asp549=)

Gene: CACNA1D (calcium voltage-gated channel subunit alpha1 D; plus strand). Cytogenetic location: 3p21.1.
Variant type: single nucleotide variant.
Coding change: c.1647T>C on transcript NM_001128840.3 (MANE Select); coding-DNA position 1647, T replaced by C.
Protein change: p.Asp549=; no amino-acid change (aspartic acid 549 retained).
Molecular consequence: synonymous variant.
Genome position (GRCh38, 1-based): chr3:53,722,455, T>C. VCF-style: chr3-53722455-T-C. GRCh37 (hg19) VCF-style: chr3-53756482-T-C.
Other names: c.1707T>C, p.Asp569= (NM_000720.4); c.1647T>C, p.Asp549= (NM_001128839.3).
Identifiers: ClinVar variation 727155 (VCV000727155.14), dbSNP rs769205525, ClinGen allele CA2454044.

ClinVar aggregate classification (germline): Benign/Likely benign. Review status: criteria provided, multiple submitters, no conflicts (2 of 4 stars). 3 submissions from 3 submitters: Benign (1); Likely benign (2). Last evaluated 2026-01-16.

Allele frequency attached by ClinVar (database versions not stated): gnomAD 0.00003; gnomAD exomes 0.00011 and 0.00024; TOPMed 0.00011; ExAC 0.00024.
gnomAD v4.1: 73 of 1,614,098 alleles (0.0045%); highest among the groups gnomAD compares: Admixed American, 0.12%; 2 homozygotes.

Submissions (3):

Labcorp Genetics (formerly Invitae), Labcorp
Classification: Benign. Last evaluated: 2026-01-16. Review status: criteria provided, single submitter. Criteria: Invitae Variant Classification Sherloc (09022015). Collection method: clinical testing. Allele origin: germline.

CeGaT Center for Human Genetics Tuebingen
Classification: Likely benign. Last evaluated: 2025-12-01. Review status: criteria provided, single submitter. Criteria: CeGaT Center For Human Genetics Tuebingen Variant Classification Criteria Version 2. Collection method: clinical testing. Allele origin: germline. Affected: yes. Observed: 1 variant allele.
Comment: CACNA1D: BP4, BP7

GeneDx
Classification: Likely benign. Last evaluated: 2019-07-31. Review status: criteria provided, single submitter. Criteria: GeneDx Variant Classification Process June 2021. Collection method: clinical testing. Allele origin: germline. Affected: yes.